The following is an entry in ClinVar:

NM_003049.4(SLC10A1):c.224C>T (p.Thr75Met)

Gene: SLC10A1 (solute carrier family 10 member 1; minus strand). Cytogenetic location: 14q24.1.
Variant type: single nucleotide variant.
Coding change: c.224C>T on transcript NM_003049.4 (MANE Select); coding-DNA position 224, C replaced by T.
Protein change: p.Thr75Met; replaces threonine 75 with methionine.
Molecular consequence: missense variant.
Genome position (GRCh38, 1-based): chr14:69,796,932, G>A on the plus strand (C>T on the coding strand, the complement: SLC10A1 is on the minus strand). VCF-style: chr14-69796932-G-A. GRCh37 (hg19) VCF-style: chr14-70263649-G-A.
Other names: c.224C>T (NM_003049.3); short protein forms T75M.
Identifiers: ClinVar variation 807138 (VCV000807138.44), dbSNP rs150649857, ClinGen allele CA7246255.

ClinVar aggregate classification (germline): Uncertain significance. Review status: criteria provided, multiple submitters, no conflicts (2 of 4 stars). 3 submissions from 3 submitters: Uncertain significance (3). Last evaluated 2026-07-13.

Conditions:
SLC10A1-related disorder. Also called: SLC10A1-related condition.

Allele frequency attached by ClinVar (database versions not stated): ExAC 0.00007; gnomAD exomes 0.00009 and 0.00010; gnomAD 0.00010; TOPMed 0.00010; ESP Exome Variant Server 0.00015.
gnomAD v4.1: 170 of 1,614,096 alleles (0.011%); highest among the groups gnomAD compares: South Asian, 0.026%; no homozygotes.

Submissions (3):

PreventionGenetics, part of Exact Sciences
Classification: Uncertain significance for SLC10A1-related condition. Last evaluated: 2026-07-13. Review status: criteria provided, single submitter. Criteria: ACMG Guidelines, 2015. Collection method: clinical testing. Allele origin: germline.
Comment: The SLC10A1 c.224C>T variant is predicted to result in the amino acid substitution p.Thr75Met. To our knowledge, this variant has not been reported in the literature. This variant is reported in 0.023% of alleles in individuals of South Asian descent in gnomAD. At this time, the clinical significance of this variant is uncertain due to the absence of conclusive functional and genetic evidence.

Ambry Genetics
Classification: Uncertain significance. Last evaluated: 2024-03-28. Review status: criteria provided, single submitter. Criteria: Ambry Variant Classification Scheme 2023. Collection method: clinical testing. Allele origin: germline.

CeGaT Center for Human Genetics Tuebingen
Classification: Uncertain significance. Last evaluated: 2018-12-01. Review status: criteria provided, single submitter. Criteria: CeGaT Center For Human Genetics Tuebingen Variant Classification Criteria Version 2. Collection method: clinical testing. Allele origin: germline. Affected: yes. Observed: 1 variant allele.